The following is an entry in ClinVar:

ClinVar aggregate classification (germline): Uncertain significance. Review status: criteria provided, multiple submitters, no conflicts (2 of 4 stars). 2 submissions from 2 submitters: Uncertain significance (2). Last evaluated 2025-04-30.

Conditions:
Chédiak-Higashi syndrome (CHS). Also called: Chediak-Higashi Syndrome. Identifiers: Orphanet 167, MedGen C0007965, MONDO:0008963, OMIM 214500.

Allele frequency attached by ClinVar (database versions not stated): gnomAD 0.00002; TOPMed 0.00002; 1000 Genomes Project 0.00020; 1000 Genomes Project 30x 0.00031.
gnomAD v4.1: 84 of 1,613,986 alleles (0.0052%); highest among the groups gnomAD compares: Admixed American, 0.0083%; no homozygotes.

Submissions (2):

Mayo Clinic Laboratories, Mayo Clinic
Classification: Uncertain significance. Last evaluated: 2025-04-30. Review status: criteria provided, single submitter. Criteria: ACMG Guidelines, 2015. Collection method: clinical testing. Allele origin: germline. Observed: 2 variant alleles.
Comment: BP4_moderate

Labcorp Genetics (formerly Invitae), Labcorp
Classification: Uncertain significance for Chédiak-Higashi syndrome. Last evaluated: 2022-10-13. Review status: criteria provided, single submitter. Criteria: Invitae Variant Classification Sherloc (09022015). Collection method: clinical testing. Allele origin: germline.
Comment: This sequence change replaces glutamic acid, which is acidic and polar, with lysine, which is basic and polar, at codon 947 of the LYST protein (p.Glu947Lys). This variant is present in population databases (rs557764255, gnomAD 0.01%). This variant has not been reported in the literature in individuals affected with LYST-related conditions. ClinVar contains an entry for this variant (Variation ID: 858749). Advanced modeling of protein sequence and biophysical properties (such as structural, functional, and spatial information, amino acid conservation, physicochemical variation, residue mobility, and thermodynamic stability) performed at Invitae indicates that this missense variant is not expected to disrupt LYST protein function. In summary, the available evidence is currently insufficient to determine the role of this variant in disease. Therefore, it has been classified as a Variant of Uncertain Significance.

NM_000081.4(LYST):c.2839G>A (p.Glu947Lys)

Gene: LYST (lysosomal trafficking regulator; minus strand). Cytogenetic location: 1q42.3.
Variant type: single nucleotide variant.
Coding change: c.2839G>A on transcript NM_000081.4 (MANE Select); coding-DNA position 2839, G replaced by A.
Protein change: p.Glu947Lys; replaces glutamic acid 947 with lysine.
Molecular consequence: missense variant.
Genome position (GRCh38, 1-based): chr1:235,806,297, C>T on the plus strand (G>A on the coding strand, the complement: LYST is on the minus strand). VCF-style: chr1-235806297-C-T. GRCh37 (hg19) VCF-style: chr1-235969597-C-T.
Other names: p.Glu947Lys; c.2839G>A, p.Glu947Lys (NM_001301365.1); short protein forms E947K.
Identifiers: ClinVar variation 858749 (VCV000858749.7), dbSNP rs557764255, ClinGen allele CA39616258.